The following is an entry in ClinVar:

ClinVar aggregate classification (germline): Uncertain significance. Review status: criteria provided, multiple submitters, no conflicts (2 of 4 stars). 2 submissions from 2 submitters: Uncertain significance (2). Last evaluated 2024-12-13.

Conditions:
Familial thoracic aortic aneurysm and aortic dissection (TAAD). Also called: Thoracic aortic aneurysms and dissections. Identifiers: Orphanet 91387, MedGen C4707243, MONDO:0019625.

Submissions (2):

Ambry Genetics
Classification: Uncertain significance for Familial thoracic aortic aneurysm and aortic dissection. Last evaluated: 2024-12-13. Review status: criteria provided, single submitter. Criteria: Ambry Variant Classification Scheme 2023. Collection method: clinical testing. Allele origin: germline.
Comment: The p.T114I variant (also known as c.341C>T), located in coding exon 2 of the TGFBR1 gene, results from a C to T substitution at nucleotide position 341. The threonine at codon 114 is replaced by isoleucine, an amino acid with similar properties. This amino acid position is conserved. In addition, this alteration is predicted to be tolerated by in silico analysis. Based on the available evidence, the clinical significance of this variant remains unclear.

Color Diagnostics, LLC DBA Color Health
Classification: Uncertain significance for Familial thoracic aortic aneurysm and aortic dissection. Last evaluated: 2019-06-28. Review status: criteria provided, single submitter. Criteria: ACMG Guidelines, 2015. Collection method: clinical testing. Allele origin: germline.
Comment: This missense variant replaces threonine with isoleucine at codon 114 of the TGFBR1 protein. Computational prediction tools and conservation analyses are inconclusive regarding the impact of this variant on the protein function. Computational splicing tools suggest that this variant may not impact RNA splicing. To our knowledge, functional assays have not been performed for this variant nor has this variant been reported in individuals affected with cardiovascular disorders in the literature. This variant has not been identified in the general population by the Genome Aggregation Database (gnomAD). Available evidence is insufficient to determine the role of this variant in disease conclusively. Therefore, this variant is classified as a Variant of Uncertain Significance.

NM_004612.4(TGFBR1):c.341C>T (p.Thr114Ile)

Gene: TGFBR1 (transforming growth factor beta receptor 1; plus strand). Cytogenetic location: 9q22.33.
Variant type: single nucleotide variant.
Coding change: c.341C>T on transcript NM_004612.4 (MANE Select); coding-DNA position 341, C replaced by T.
Protein change: p.Thr114Ile; replaces threonine 114 with isoleucine.
Molecular consequence: missense variant.
Genome position (GRCh38, 1-based): chr9:99,129,098, C>T. VCF-style: chr9-99129098-C-T. GRCh37 (hg19) VCF-style: chr9-101891380-C-T.
Other names: c.341C>T, p.Thr114Ile (NM_001130916.3, NM_001306210.2); c.341C>T (NM_004612.2); short protein forms T114I.
Identifiers: ClinVar variation 924347 (VCV000924347.4), dbSNP rs1827133059, ClinGen allele CA374226540.
Genomic context (GRCh38, chr9:99,129,098, plus strand): 5'-CTGTGACTACAACATATTGCTGCAATCAGGACCATTGCAATAAAATAGAACTTCCAACTA[C>T]TGGTAAGTTGTATAAAATTTTTTTCCTAGATACTACAAGAAAAACTCTTCATACTCTGTG-3'
Protein context (NP_004603.1, residues 104-124): DHCNKIELPT[Thr114Ile]VKSSPGLGPV